The following is an entry in ClinVar:

NM_018075.5(ANO10):c.1349_1350del (p.Phe450fs)

Gene: ANO10 (anoctamin 10; minus strand). Cytogenetic location: 3p22.1.
Variant type: Deletion.
Coding change: c.1349_1350del on transcript NM_018075.5 (MANE Select); coding-DNA positions 1349 to 1350, 2 bases deleted (TT; older notation c.1349_1350delTT).
Protein change: p.Phe450fs; shifts the reading frame from phenylalanine 450.
Molecular consequence: frameshift variant.
Genome position (GRCh38, 1-based): chr3:43,561,346-43,561,347, AA deleted on the plus strand (TT on the coding strand, the reverse complement: ANO10 is on the minus strand); deleting any 2 consecutive bases within chr3:43,561,346-43,561,349 gives the same sequence; the c. name uses the placement nearest the transcript's 3' end. VCF-style (leftmost placement, unchanged base first): chr3-43561345-GAA-G. GRCh37 (hg19) VCF-style: chr3-43602837-GAA-G.
Other names: c.1349_1350del, p.Phe450fs (NM_001204831.3, NM_001346463.2, NM_001346464.2 and 3 more transcripts); c.1151_1152del, p.Phe384fs (NM_001204832.3, NM_001346466.2, NM_001346469.2); c.1016_1017del, p.Phe339fs (NM_001204833.3); c.779_780del, p.Phe260fs (NM_001204834.3); short protein forms F339fs, F450fs, F260fs, F384fs.
Identifiers: ClinVar variation 2831610 (VCV002831610.3), dbSNP rs2529109507, ClinGen allele CA2739278780.

ClinVar aggregate classification (germline): Pathogenic (1 of 4 stars; one submission).

Submission:

Labcorp Genetics (formerly Invitae), Labcorp
Classification: Pathogenic. Last evaluated: 2023-01-24. Review status: criteria provided, single submitter. Criteria: Invitae Variant Classification Sherloc (09022015). Collection method: clinical testing. Allele origin: germline.
Comment: For these reasons, this variant has been classified as Pathogenic. Algorithms developed to predict the effect of sequence changes on RNA splicing suggest that this variant may disrupt the consensus splice site. This variant has not been reported in the literature in individuals affected with ANO10-related conditions. This variant is not present in population databases (gnomAD no frequency). This sequence change creates a premature translational stop signal (p.Phe450Serfs*25) in the ANO10 gene. It is expected to result in an absent or disrupted protein product. Loss-of-function variants in ANO10 are known to be pathogenic (PMID: 25089919).

Literature cited by the submitters: PubMed 25089919.